The following is an entry in ClinVar:

NM_025207.5(FLAD1):c.1034G>A (p.Arg345His)

Gene: FLAD1 (flavin adenine dinucleotide synthetase 1; plus strand). Cytogenetic location: 1q21.3.
Variant type: single nucleotide variant.
Coding change: c.1034G>A on transcript NM_025207.5 (MANE Select); coding-DNA position 1034, G replaced by A.
Protein change: p.Arg345His; replaces arginine 345 with histidine.
Molecular consequence: missense variant.
Genome position (GRCh38, 1-based): chr1:154,988,766, G>A. VCF-style: chr1-154988766-G-A. GRCh37 (hg19) VCF-style: chr1-154961242-G-A.
Other names: c.743G>A, p.Arg248His (NM_001184891.2, NM_201398.3); c.737G>A, p.Arg246His (NM_001184892.2); short protein forms R246H, R345H, R248H.
Identifiers: ClinVar variation 1933125 (VCV001933125.2), dbSNP rs554142608, ClinGen allele CA1134455.

ClinVar aggregate classification (germline): Uncertain significance (1 of 4 stars; one submission).

Allele frequency attached by ClinVar (database versions not stated): ExAC 0.00001; gnomAD 0.00001; gnomAD exomes 0.00001; TOPMed 0.00002; 1000 Genomes Project 0.00020; 1000 Genomes Project 30x 0.00031.
gnomAD v4.1: 13 of 1,614,166 alleles (0.00081%); highest among the groups gnomAD compares: East Asian, 0.0022%; no homozygotes.

Submission:

Labcorp Genetics (formerly Invitae), Labcorp
Classification: Uncertain significance. Last evaluated: 2022-08-15. Review status: criteria provided, single submitter. Criteria: Invitae Variant Classification Sherloc (09022015). Collection method: clinical testing. Allele origin: germline.
Comment: This sequence change replaces arginine, which is basic and polar, with histidine, which is basic and polar, at codon 345 of the FLAD1 protein (p.Arg345His). The frequency data for this variant in the population databases is considered unreliable, as metrics indicate poor data quality at this position in the gnomAD database. This variant has not been reported in the literature in individuals affected with FLAD1-related conditions. Algorithms developed to predict the effect of missense changes on protein structure and function output the following: SIFT: "Tolerated"; PolyPhen-2: "Benign"; Align-GVGD: "Class C0". The histidine amino acid residue is found in multiple mammalian species, which suggests that this missense change does not adversely affect protein function. In summary, the available evidence is currently insufficient to determine the role of this variant in disease. Therefore, it has been classified as a Variant of Uncertain Significance.